The following is an entry in ClinVar:

NM_177986.5(DSG4):c.2901A>G (p.Arg967=)

Genes: DSG4 (desmoglein 4; plus strand), DSG1-AS1 (DSG1 antisense RNA 1; minus strand). Cytogenetic location: 18q12.1.
Variant type: single nucleotide variant.
Coding change: c.2901A>G on transcript NM_177986.5 (MANE Select); coding-DNA position 2901, A replaced by G.
Protein change: p.Arg967=; no amino-acid change (arginine 967 retained).
Molecular consequence: synonymous variant.
Genome position (GRCh38, 1-based): chr18:31,413,373, A>G. VCF-style: chr18-31413373-A-G. GRCh37 (hg19) VCF-style: chr18-28993336-A-G.
Other names: c.2958A>G, p.Arg986= (NM_001134453.3).
Identifiers: ClinVar variation 784547 (VCV000784547.14), dbSNP rs151254406, ClinGen allele CA8927429.

ClinVar aggregate classification (germline): Conflicting classifications of pathogenicity. Review status: criteria provided, conflicting classifications (1 of 4 stars). 3 submissions from 3 submitters: Uncertain significance (1); Benign (1). 1 of the submissions does not count toward it. Last evaluated 2024-03-04.

Conditions:
DSG4-related disorder. Also called: DSG4-related condition.
Hypotrichosis 6 (HYPT6). Also called: HYPOTRICHOSIS, LOCALIZED, AUTOSOMAL RECESSIVE 1; MONILETHRIX-LIKE HYPOTRICHOSIS. Identifiers: Orphanet 55654, MedGen C1842839, MONDO:0011932, OMIM 607903.

Allele frequency attached by ClinVar (database versions not stated): gnomAD exomes 0.00012 and 0.00032; ExAC 0.00044; 1000 Genomes Project 0.00100; 1000 Genomes Project 30x 0.00109; gnomAD 0.00112 and 0.00121; TOPMed 0.00138; ESP Exome Variant Server 0.00208.

Submissions (3):

Labcorp Genetics (formerly Invitae), Labcorp
Classification: Benign. Last evaluated: 2024-03-04. Review status: criteria provided, single submitter. Criteria: Invitae Variant Classification Sherloc (09022015). Collection method: clinical testing. Allele origin: germline.

Illumina Laboratory Services, Illumina
Classification: Uncertain significance for Hypotrichosis 6. Last evaluated: 2018-01-12. Review status: criteria provided, single submitter. Criteria: ICSL Variant Classification Criteria 13 December 2019. Collection method: clinical testing. Allele origin: germline.

PreventionGenetics, part of Exact Sciences
Classification: Likely benign for DSG4-related condition. Last evaluated: 2020-04-24. Review status: no assertion criteria provided. Collection method: clinical testing. Allele origin: germline. Not counted in ClinVar's aggregate classification.
Comment: This variant is classified as likely benign based on ACMG/AMP sequence variant interpretation guidelines (Richards et al. 2015 PMID: 25741868, with internal and published modifications).